The following is an entry in ClinVar:

NM_017780.4(CHD7):c.4026C>T (p.Gly1342=)

Gene: CHD7 (chromodomain helicase DNA binding protein 7; plus strand). Cytogenetic location: 8q12.2.
Variant type: single nucleotide variant.
Coding change: c.4026C>T on transcript NM_017780.4 (MANE Select); coding-DNA position 4026, C replaced by T.
Protein change: p.Gly1342=; no amino-acid change (glycine 1342 retained).
Molecular consequence: synonymous variant. On other transcripts: intron variant (1).
Genome position (GRCh38, 1-based): chr8:60,836,853, C>T. VCF-style: chr8-60836853-C-T. GRCh37 (hg19) VCF-style: chr8-61749412-C-T.
Other names: c.4026C>T (LRG_176t1); c.1717-25376C>T (NM_001316690.1).
Identifiers: ClinVar variation 393213 (VCV000393213.2), dbSNP rs1057524839, ClinGen allele CA16605243.

ClinVar aggregate classification (germline): Uncertain significance (1 of 4 stars; one submission).

Submission:

GeneDx
Classification: Uncertain significance. Last evaluated: 2017-01-30. Review status: criteria provided, single submitter. Criteria: GeneDx Variant Classification (06012015). Collection method: clinical testing. Allele origin: germline. Affected: yes.
Comment: The c.4026 C>T (G1342G) variant in the CHD7 gene has not been published as a pathogenic variant, nor has it been reported as a benign variant to our knowledge. The variant was not observed in approximately 6,100 individuals of European and African American ancestry in the NHLBI Exome Sequencing Project, indicating it is not a common benign variant in these populations. This substitution occurs at a position that is not conserved. While this variant is a synonymous variant and does not result in a change to the CHD7 protein, several in silico splice prediction models predict that it creates a cryptic donor site which may supplant the natural donor site and lead to abnormal gene splicing. However, in the absence of RNA/functional studies, the actual effect of this sequence change is unknown. Therefore, based on the currently available information, it is unclear whether this variant is a pathogenic variant or a rare benign variant.